The following is an entry in ClinVar:

ClinVar aggregate classification (germline): Uncertain significance. Review status: criteria provided, multiple submitters, no conflicts (2 of 4 stars). 2 submissions from 2 submitters: Uncertain significance (2). Last evaluated 2025-01-07.

Conditions:
Ullrich congenital muscular dystrophy 2 (UCMD2). Identifiers: Orphanet 75840, MedGen C4225314, MONDO:0014654, OMIM 616470.
Bethlem myopathy 2 (BTHLM2). Identifiers: Orphanet 536516, Orphanet 610, MedGen C4225313, MONDO:0034022, OMIM 616471.

gnomAD v4.1: 2 of 1,613,892 alleles (0.00012%); highest among the groups gnomAD compares: Non-Finnish European, 0.00017%; no homozygotes.

Submissions (2):

Labcorp Genetics (formerly Invitae), Labcorp
Classification: Uncertain significance for Bethlem myopathy 2; Ullrich congenital muscular dystrophy 2. Last evaluated: 2025-01-07. Review status: criteria provided, single submitter. Criteria: Invitae Variant Classification Sherloc (09022015). Collection method: clinical testing. Allele origin: germline.
Comment: This sequence change replaces threonine, which is neutral and polar, with serine, which is neutral and polar, at codon 2260 of the COL12A1 protein (p.Thr2260Ser). This variant is present in population databases (no rsID available, gnomAD 0.0009%). This variant has not been reported in the literature in individuals affected with COL12A1-related conditions. Invitae Evidence Modeling of protein sequence and biophysical properties (such as structural, functional, and spatial information, amino acid conservation, physicochemical variation, residue mobility, and thermodynamic stability) indicates that this missense variant is not expected to disrupt COL12A1 protein function with a negative predictive value of 80%. In summary, the available evidence is currently insufficient to determine the role of this variant in disease. Therefore, it has been classified as a Variant of Uncertain Significance.

GeneDx
Classification: Uncertain significance. Last evaluated: 2023-11-07. Review status: criteria provided, single submitter. Criteria: GeneDx Variant Classification Process June 2021. Collection method: clinical testing. Allele origin: germline. Affected: yes.
Comment: Not observed at significant frequency in large population cohorts (gnomAD); In silico analysis supports that this missense variant does not alter protein structure/function; Has not been previously published as pathogenic or benign to our knowledge

NM_004370.6(COL12A1):c.6779C>G (p.Thr2260Ser)

Gene: COL12A1 (collagen type XII alpha 1 chain; minus strand). Cytogenetic location: 6q13.
Variant type: single nucleotide variant.
Coding change: c.6779C>G on transcript NM_004370.6 (MANE Select); coding-DNA position 6779, C replaced by G.
Protein change: p.Thr2260Ser; replaces threonine 2260 with serine.
Molecular consequence: missense variant.
Genome position (GRCh38, 1-based): chr6:75,124,040, G>C on the plus strand (C>G on the coding strand, the complement: COL12A1 is on the minus strand). VCF-style: chr6-75124040-G-C. GRCh37 (hg19) VCF-style: chr6-75833756-G-C.
Other names: c.6779C>G, p.Thr2260Ser (NM_001424113.1); c.6758C>G, p.Thr2253Ser (NM_001424114.1); c.6506C>G, p.Thr2169Ser (NM_001424115.1); c.3287C>G, p.Thr1096Ser (NM_001424116.1, NM_080645.3); short protein forms T1096S, T2169S, T2253S, T2260S.
Identifiers: ClinVar variation 3364033 (VCV003364033.3).